The following is an entry in ClinVar:

NM_001081.4(CUBN):c.7095G>A (p.Trp2365Ter)

Gene: CUBN (cubilin; minus strand). Cytogenetic location: 10p13.
Variant type: single nucleotide variant.
Coding change: c.7095G>A on transcript NM_001081.4 (MANE Select); coding-DNA position 7095, G replaced by A.
Protein change: p.Trp2365Ter; replaces tryptophan 2365 with a stop codon.
Molecular consequence: nonsense.
Genome position (GRCh38, 1-based): chr10:16,915,936, C>T on the plus strand (G>A on the coding strand, the complement: CUBN is on the minus strand). VCF-style: chr10-16915936-C-T. GRCh37 (hg19) VCF-style: chr10-16957935-C-T.
Other names: short protein forms W2365*.
Identifiers: ClinVar variation 936927 (VCV000936927.9), dbSNP rs374538208, ClinGen allele CA5423458.

ClinVar aggregate classification (germline): Pathogenic/Likely pathogenic. Review status: criteria provided, multiple submitters, no conflicts (2 of 4 stars). 2 submissions from 2 submitters: Pathogenic (1); Likely pathogenic (1). Last evaluated 2021-07-27.

Conditions:
Proteinuria, chronic benign. Identifiers: MedGen C5394384, MONDO:0030042, OMIM 618884.
Imerslund-Grasbeck syndrome type 1 (IGS1). Also called: Megaloblastic anemia 1, Finnish type; Imerslund-Gräsbeck syndrome 1; MEGALOBLASTIC ANEMIA, 1. Identifiers: MedGen C4016819, MONDO:0100156, OMIM 261100.
Imerslund-Grasbeck syndrome. Also called: ENTEROCYTE COBALAMIN MALABSORPTION; ENTEROCYTE INTRINSIC FACTOR RECEPTOR, DEFECT OF; Imerslund-Gräsbeck syndrome; Megaloblastic anemia due to inborn errors of metabolism; PERNICIOUS ANEMIA, JUVENILE, DUE TO SELECTIVE INTESTINAL MALABSORPTION OF VITAMIN B12, WITH PROTEINURIA. Identifiers: Orphanet 35858, MedGen C4551825, MONDO:0009853.

Allele frequency attached by ClinVar (database versions not stated): gnomAD exomes below 0.00001; ExAC 0.00001; TOPMed 0.00006; gnomAD 0.00007 and 0.00006; ESP Exome Variant Server 0.00008.
gnomAD v4.1: 12 of 1,613,912 alleles (0.00074%); highest among the groups gnomAD compares: African/African-American, 0.012%; no homozygotes.

Submissions (2):

Fulgent Genetics
Classification: Likely pathogenic for Imerslund-Grasbeck syndrome type 1; Proteinuria, chronic benign. Last evaluated: 2021-07-27. Review status: criteria provided, single submitter. Criteria: ACMG Guidelines, 2015. Collection method: clinical testing. Allele origin: unknown.

Labcorp Genetics (formerly Invitae), Labcorp
Classification: Pathogenic for Imerslund-Grasbeck syndrome. Last evaluated: 2021-01-12. Review status: criteria provided, single submitter. Criteria: Invitae Variant Classification Sherloc (09022015). Collection method: clinical testing. Allele origin: germline.
Comment: For these reasons, this variant has been classified as Pathogenic. This variant has not been reported in the literature in individuals with CUBN-related conditions. ClinVar contains an entry for this variant (Variation ID: 936927). This variant is present in population databases (rs374538208, ExAC 0.01%). This sequence change creates a premature translational stop signal (p.Trp2365*) in the CUBN gene. It is expected to result in an absent or disrupted protein product. Loss-of-function variants in CUBN are known to be pathogenic (PMID: 15024727, 22929189).

Literature cited by the submitters: PubMed 15024727 (cited by Labcorp Genetics (formerly Invitae), Labcorp); PubMed 22929189 (cited by Labcorp Genetics (formerly Invitae), Labcorp).